The following is an entry in ClinVar:

NM_000155.4(GALT):c.667C>T (p.Arg223Cys)

Gene: GALT (galactose-1-phosphate uridylyltransferase; plus strand). Cytogenetic location: 9p13.3.
Variant type: single nucleotide variant.
Coding change: c.667C>T on transcript NM_000155.4 (MANE Select); coding-DNA position 667, C replaced by T.
Protein change: p.Arg223Cys; replaces arginine 223 with cysteine.
Molecular consequence: missense variant.
Genome position (GRCh38, 1-based): chr9:34,648,436, C>T. VCF-style: chr9-34648436-C-T. GRCh37 (hg19) VCF-style: chr9-34648433-C-T.
Other names: c.340C>T, p.Arg114Cys (NM_001258332.2); short protein forms R223C, R114C.
Identifiers: ClinVar variation 529225 (VCV000529225.16), dbSNP rs111033750, ClinGen allele CA5036181.

ClinVar aggregate classification (germline): Conflicting classifications of pathogenicity. Review status: criteria provided, conflicting classifications (1 of 4 stars). 6 submissions from 6 submitters: Pathogenic (2); Likely pathogenic (1); Uncertain significance (1). 2 of the submissions do not count toward it. Last evaluated 2024-07-01.

Conditions:
Galactosemia. Also called: Galactose intolerance. Identifiers: Orphanet 352, MedGen C0016952, MONDO:0018116, HP:0004919. Disease mechanism: loss of function.
GALT-related disorder. Also called: GALT-related condition.
Premature ovarian insufficiency (POF). Also called: Premature ovarian failure. Identifiers: MedGen C4303540, HP:0008209.
Deficiency of UDPglucose-hexose-1-phosphate uridylyltransferase. Also called: GALACTOSE-1-PHOSPHATE URIDYLYLTRANSFERASE DEFICIENCY; GALACTOSEMIA I; Transferase Deficiency Galactosemia; GALT deficiency; Galactosemia, classic. Identifiers: Orphanet 352, Orphanet 79239, MedGen C0268151, MONDO:0009258, OMIM 230400.

Allele frequency attached by ClinVar (database versions not stated): gnomAD exomes 0.00003 and 0.00002; TOPMed 0.00003; gnomAD 0.00004 and 0.00005; ExAC 0.00002.
gnomAD v4.1: 43 of 1,613,998 alleles (0.0027%); highest among the groups gnomAD compares: Middle Eastern, 0.016%; no homozygotes.

Submissions (6):

Labcorp Genetics (formerly Invitae), Labcorp
Classification: Pathogenic for Deficiency of UDPglucose-hexose-1-phosphate uridylyltransferase. Last evaluated: 2024-07-01. Review status: criteria provided, single submitter. Criteria: Invitae Variant Classification Sherloc (09022015). Collection method: clinical testing. Allele origin: germline.
Comment: This sequence change replaces arginine, which is basic and polar, with cysteine, which is neutral and slightly polar, at codon 223 of the GALT protein (p.Arg223Cys). This variant is present in population databases (rs111033750, gnomAD 0.008%). This missense change has been observed in individual(s) with galactose-1-phosphate uridylyltransferase deficiency (Invitae). ClinVar contains an entry for this variant (Variation ID: 529225). Advanced modeling of protein sequence and biophysical properties (such as structural, functional, and spatial information, amino acid conservation, physicochemical variation, residue mobility, and thermodynamic stability) performed at Invitae indicates that this missense variant is expected to disrupt GALT protein function with a positive predictive value of 95%. This variant disrupts the p.Arg223 amino acid residue in GALT. Other variant(s) that disrupt this residue have been determined to be pathogenic (PMID: 17876724, 22461411). This suggests that this residue is clinically significant, and that variants that disrupt this residue are likely to be disease-causing. For these reasons, this variant has been classified as Pathogenic.

Fulgent Genetics
Classification: Likely pathogenic for Deficiency of UDPglucose-hexose-1-phosphate uridylyltransferase. Last evaluated: 2024-05-16. Review status: criteria provided, single submitter. Criteria: ACMG Guidelines, 2015. Collection method: clinical testing. Allele origin: germline.

Medical Cytogenetics and Molecular Genetics Laboratory, IRCCS Istituto Auxologico Italiano
Classification: Pathogenic for Premature ovarian failure. Last evaluated: 2020-03-02. Review status: criteria provided, single submitter. Criteria: ACMG Guidelines, 2015. Collection method: research. Allele origin: germline. Affected: yes. Observed: 1 variant allele.

Eurofins Ntd Llc (ga)
Classification: Uncertain significance. Last evaluated: 2018-06-19. Review status: criteria provided, single submitter. Criteria: EGL ClinVar v180209 classification definitions. Collection method: clinical testing. Allele origin: germline. Observed: 1 variant allele, 1 heterozygote.

PreventionGenetics, part of Exact Sciences
Classification: Uncertain significance for GALT-related condition. Last evaluated: 2024-02-03. Review status: no assertion criteria provided. Collection method: clinical testing. Allele origin: germline. Not counted in ClinVar's aggregate classification.
Comment: The GALT c.667C>T variant is predicted to result in the amino acid substitution p.Arg223Cys. This variant was reported in the heterozygous state without a second GALT variant in an individual with primary ovarian insufficiency (described as c.C304T, p.R114C in Bestetti et al. 2021. PubMed ID: 34480478). Additionally, a different substitution of the same amino acid (p.Arg223Ser) was reported along with a known pathogenic GALT variant in a study of individuals with abnormal newborn screening results for galactosemia (Calderon et al. 2007. PubMed ID: 17876724). This variant is reported in 0.012% of alleles in individuals of European (Finnish) descent in gnomAD. Although we suspect this variant may be pathogenic, at this time its clinical significance is uncertain due to the absence of conclusive functional and genetic evidence.

Natera, Inc.
Classification: Uncertain significance for Galactosemia. Last evaluated: 2019-01-03. Review status: no assertion criteria provided. Collection method: clinical testing. Allele origin: germline. Not counted in ClinVar's aggregate classification.

Literature cited by the submitters: PubMed 17876724 (cited by Labcorp Genetics (formerly Invitae), Labcorp); PubMed 22461411 (cited by Labcorp Genetics (formerly Invitae), Labcorp).